The following is an entry in ClinVar:

NM_001370466.1(NOD2):c.417A>T (p.Glu139Asp)

Gene: NOD2 (nucleotide binding oligomerization domain containing 2; plus strand). Cytogenetic location: 16q12.1.
Variant type: single nucleotide variant.
Coding change: c.417A>T on transcript NM_001370466.1 (MANE Select); coding-DNA position 417, A replaced by T.
Protein change: p.Glu139Asp; replaces glutamic acid 139 with aspartic acid.
Molecular consequence: missense variant. On other transcripts: non-coding transcript variant (1).
Genome position (GRCh38, 1-based): chr16:50,699,912, A>T. VCF-style: chr16-50699912-A-T. GRCh37 (hg19) VCF-style: chr16-50733823-A-T.
Other names: c.417A>T, p.Glu139Asp (NM_001293557.2); c.498A>T, p.Glu166Asp (NM_022162.3); short protein forms E139D, E166D.
Identifiers: ClinVar variation 858593 (VCV000858593.52), dbSNP rs749605438, ClinGen allele CA8051291.

ClinVar aggregate classification (germline): Conflicting classifications of pathogenicity. Review status: criteria provided, conflicting classifications (1 of 4 stars). 5 submissions from 5 submitters: Uncertain significance (4); Likely benign (1). Last evaluated 2025-08-04.

Conditions:
Blau syndrome (BLAUS). Also called: ARTHROCUTANEOUVEAL GRANULOMATOSIS; GRANULOMATOSIS, FAMILIAL JUVENILE SYSTEMIC; GRANULOMATOSIS, FAMILIAL, BLAU TYPE; GRANULOMATOUS INFLAMMATORY ARTHRITIS, DERMATITIS, AND UVEITIS, FAMILIAL; JABS SYNDROME. Identifiers: Orphanet 90340, MedGen C5201146, MONDO:0008523, OMIM 186580.
Regional enteritis. Also called: Enteritis, Granulomatous. Identifiers: MedGen C0678202, MeSH D003424.

Allele frequency attached by ClinVar (database versions not stated): ExAC 0.00002; gnomAD 0.00004 and 0.00005; TOPMed 0.00006.
gnomAD v4.1: 112 of 1,611,180 alleles (0.007%); highest among the groups gnomAD compares: Admixed American, 0.01%; no homozygotes.

Submissions (5):

Labcorp Genetics (formerly Invitae), Labcorp
Classification: Uncertain significance for Regional enteritis; Blau syndrome. Last evaluated: 2025-08-04. Review status: criteria provided, single submitter. Criteria: Invitae Variant Classification Sherloc (09022015). Collection method: clinical testing. Allele origin: germline.
Comment: This sequence change replaces glutamic acid, which is acidic and polar, with aspartic acid, which is acidic and polar, at codon 166 of the NOD2 protein (p.Glu166Asp). This variant is present in population databases (rs749605438, gnomAD 0.008%). This variant has not been reported in the literature in individuals affected with NOD2-related conditions. ClinVar contains an entry for this variant (Variation ID: 858593). Invitae Evidence Modeling of protein sequence and biophysical properties (such as structural, functional, and spatial information, amino acid conservation, physicochemical variation, residue mobility, and thermodynamic stability) indicates that this missense variant is not expected to disrupt NOD2 protein function with a negative predictive value of 95%. In summary, the available evidence is currently insufficient to determine the role of this variant in disease. Therefore, it has been classified as a Variant of Uncertain Significance.

Women's Health and Genetics/Laboratory Corporation of America, LabCorp
Classification: Likely benign. Last evaluated: 2024-12-09. Review status: criteria provided, single submitter. Criteria: LabCorp Variant Classification Summary - May 2015. Collection method: clinical testing. Allele origin: germline.
Comment: Variant summary: NOD2 c.498A>T (p.Glu166Asp) results in a conservative amino acid change in the encoded protein sequence. Four of five in-silico tools predict a benign effect of the variant on protein function. The variant allele was found at a frequency of 4e-05 in 248708 control chromosomes (gnomAD). The observed variant frequency is approximately 64-fold of the estimated maximal expected allele frequency for a pathogenic variant in NOD2 causing Blau syndrome phenotype (6.3e-07). To our knowledge, no occurrence of c.498A>T in individuals affected with Blau syndrome and no experimental evidence demonstrating its impact on protein function have been reported. ClinVar contains an entry for this variant (Variation ID: 858593). Based on the evidence outlined above, the variant was classified as likely benign.

Blueprint Genetics
Classification: Uncertain significance. Last evaluated: 2024-11-04. Review status: criteria provided, single submitter. Criteria: ACMG Guidelines, 2015. Collection method: clinical testing. Allele origin: germline.

Mayo Clinic Laboratories, Mayo Clinic
Classification: Uncertain significance. Last evaluated: 2021-03-30. Review status: criteria provided, single submitter. Criteria: ACMG Guidelines, 2015. Collection method: clinical testing. Allele origin: germline.

CeGaT Center for Human Genetics Tuebingen
Classification: Uncertain significance. Last evaluated: 2021-01-01. Review status: criteria provided, single submitter. Criteria: CeGaT Center For Human Genetics Tuebingen Variant Classification Criteria Version 2. Collection method: clinical testing. Allele origin: germline. Affected: yes. Observed: 1 variant allele.